The following is an entry in ClinVar:

ClinVar aggregate classification (germline): Uncertain significance (1 of 4 stars; one submission).

Submission:

Labcorp Genetics (formerly Invitae), Labcorp
Classification: Uncertain significance. Last evaluated: 2022-07-03. Review status: criteria provided, single submitter. Criteria: Invitae Variant Classification Sherloc (09022015). Collection method: clinical testing. Allele origin: germline.
Comment: This sequence change replaces isoleucine, which is neutral and non-polar, with phenylalanine, which is neutral and non-polar, at codon 95 of the COX20 protein (p.Ile95Phe). In summary, the available evidence is currently insufficient to determine the role of this variant in disease. Therefore, it has been classified as a Variant of Uncertain Significance. Algorithms developed to predict the effect of missense changes on protein structure and function are either unavailable or do not agree on the potential impact of this missense change (SIFT: "Tolerated"; PolyPhen-2: "Possibly Damaging"; Align-GVGD: "Class C0"). This variant has not been reported in the literature in individuals affected with COX20-related conditions. This variant is not present in population databases (gnomAD no frequency).

NM_198076.6(COX20):c.283A>T (p.Ile95Phe)

Gene: COX20 (cytochrome c oxidase assembly factor COX20; plus strand). Cytogenetic location: 1q44.
Variant type: single nucleotide variant.
Coding change: c.283A>T on transcript NM_198076.6 (MANE Select); coding-DNA position 283, A replaced by T.
Protein change: p.Ile95Phe; replaces isoleucine 95 with phenylalanine.
Molecular consequence: missense variant. On other transcripts: 3 prime UTR variant (1), non-coding transcript variant (3).
Genome position (GRCh38, 1-based): chr1:244,843,102, A>T. VCF-style: chr1-244843102-A-T. GRCh37 (hg19) VCF-style: chr1-245006404-A-T.
Other names: c.283A>T, p.Ile95Phe (NM_001312871.1); c.319A>T, p.Ile107Phe (NM_001312872.1); c.148A>T, p.Ile50Phe (NM_001312873.1); c.*93A>T (NM_001312874.1); short protein forms I50F, I95F, I107F.
Identifiers: ClinVar variation 2013558 (VCV002013558.4), dbSNP rs2527473806, ClinGen allele CA345485337.
Genomic context (GRCh38, chr1:244,843,102, plus strand): 5'-TTTCATTGTAGGTATAATTATGCAAAGCAAAGAATCCAGGAAAGAATTGCCAGAGAAGAA[A>T]TTAAAAAGAAGATATTATATGAAGGTACCCACCTCGATCCTGAAAGAAAACACAACGGCA-3'
Protein context (NP_932342.1, residues 85-105): RIQERIAREE[Ile95Phe]KKKILYEGTH